The following is an entry in ClinVar:

ClinVar aggregate classification (germline): Uncertain significance (1 of 4 stars; one submission).

Allele frequency attached by ClinVar (database versions not stated): gnomAD 0.00001; TOPMed 0.00001.
gnomAD v4.1: 21 of 1,613,704 alleles (0.0013%); highest among the groups gnomAD compares: South Asian, 0.011%; no homozygotes.

Submission:

Women's Health and Genetics/Laboratory Corporation of America, LabCorp
Classification: Uncertain significance. Last evaluated: 2023-12-13. Review status: criteria provided, single submitter. Criteria: LabCorp Variant Classification Summary - May 2015. Collection method: clinical testing. Allele origin: germline.
Comment: Variant summary: PLA2G6 c.1258G>A (p.Gly420Arg) results in a non-conservative amino acid change in the encoded protein sequence. Four of five in-silico tools predict a benign effect of the variant on protein function. The variant allele was found at a frequency of 2.4e-05 in 250772 control chromosomes. The available data on variant occurrences in the general population are insufficient to allow any conclusion about variant significance. To our knowledge, no occurrence of c.1258G>A in individuals affected with Neurodegeneration With Brain Iron Accumulation and no experimental evidence demonstrating its impact on protein function have been reported. No submitters have cited clinical-significance assessments for this variant to ClinVar after 2014. Based on the evidence outlined above, the variant was classified as uncertain significance.

NM_003560.4(PLA2G6):c.1258G>A (p.Gly420Arg)

Gene: PLA2G6 (phospholipase A2 group VI; minus strand). Cytogenetic location: 22q13.1.
Variant type: single nucleotide variant.
Coding change: c.1258G>A on transcript NM_003560.4 (MANE Select); coding-DNA position 1258, G replaced by A.
Protein change: p.Gly420Arg; replaces glycine 420 with arginine.
Molecular consequence: missense variant. On other transcripts: intron variant (5).
Genome position (GRCh38, 1-based): chr22:38,128,359, C>T on the plus strand (G>A on the coding strand, the complement: PLA2G6 is on the minus strand). VCF-style: chr22-38128359-C-T. GRCh37 (hg19) VCF-style: chr22-38524366-C-T.
Other names: c.1258G>A, p.Gly420Arg (NM_001349864.2); c.724G>A, p.Gly242Arg (NM_001349867.2); c.580G>A, p.Gly194Arg (NM_001349868.2); c.1186+1095G>A (NM_001349866.2, NM_001199562.3, NM_001349865.2 and 1 more transcripts); c.652+1095G>A (NM_001349869.2); short protein forms G194R, G242R, G420R.
Identifiers: ClinVar variation 2691670 (VCV002691670.1), dbSNP rs769148122, ClinGen allele CA10230966.